The following is an entry in ClinVar:

NM_000553.6(WRN):c.4083C>T (p.Ser1361=)

Gene: WRN (WRN RecQ like helicase; plus strand). Cytogenetic location: 8p12.
Variant type: single nucleotide variant.
Coding change: c.4083C>T on transcript NM_000553.6 (MANE Select); coding-DNA position 4083, C replaced by T.
Protein change: p.Ser1361=; no amino-acid change (serine 1361 retained).
Molecular consequence: synonymous variant.
Genome position (GRCh38, 1-based): chr8:31,167,122, C>T. VCF-style: chr8-31167122-C-T. GRCh37 (hg19) VCF-style: chr8-31024638-C-T.
Other names: p.Ser1361=.
Identifiers: ClinVar variation 130761 (VCV000130761.24), dbSNP rs1801196, ClinGen allele CA156026.

ClinVar aggregate classification (germline): Benign/Likely benign. Review status: criteria provided, multiple submitters, no conflicts (2 of 4 stars). 11 submissions from 10 submitters: Benign (9); Likely benign (1). 1 of the submissions does not count toward it. Last evaluated 2026-02-04.

Conditions:
Wiskott-Aldrich syndrome (WAS). Also called: Wiskott-aldrich syndrome, somatic; WISKOTT-ALDRICH SYNDROME 1; ALDRICH SYNDROME; IMMUNODEFICIENCY 2. Identifiers: Orphanet 906, MedGen C0043194, MONDO:0010518, OMIM 301000.
Werner syndrome (WRN). Identifiers: Orphanet 902, MedGen C0043119, MONDO:0010196, OMIM 277700.

Allele frequency attached by ClinVar (database versions not stated): 1000 Genomes Project 30x 0.27171; 1000 Genomes Project 0.27356; TOPMed 0.27981; ESP Exome Variant Server 0.28210; gnomAD 0.28751 and 0.28792; gnomAD exomes 0.29627 and 0.29696; ExAC 0.29891.
gnomAD v4.1: 476,860 of 1,612,856 alleles (30%); highest among the groups gnomAD compares: Middle Eastern, 35%; 70,978 homozygotes.

Submissions (11):

Labcorp Genetics (formerly Invitae), Labcorp
Classification: Benign for Werner syndrome. Last evaluated: 2026-02-04. Review status: criteria provided, single submitter. Criteria: Invitae Variant Classification Sherloc (09022015). Collection method: clinical testing. Allele origin: germline.

KCCC/NGS Laboratory, Kuwait Cancer Control Center
Classification: Benign for Werner syndrome. Last evaluated: 2025-02-01. Review status: criteria provided, single submitter. Criteria: ACMG Guidelines, 2015. Collection method: clinical testing. Allele origin: germline. Affected: no.

Blueprint Genetics
Classification: Likely benign. Last evaluated: 2024-11-27. Review status: criteria provided, single submitter. Criteria: ACMG Guidelines, 2015. Collection method: clinical testing. Allele origin: germline.

KCCC/NGS Laboratory, Kuwait Cancer Control Center
Classification: Benign for Wiskott-Aldrich syndrome. Last evaluated: 2023-07-07. Review status: criteria provided, single submitter. Criteria: ACMG Guidelines, 2015. Collection method: clinical testing. Allele origin: germline. Affected: yes.

Mayo Clinic Laboratories, Mayo Clinic
Classification: Benign. Last evaluated: 2022-05-01. Review status: criteria provided, single submitter. Criteria: ACMG Guidelines, 2015. Collection method: clinical testing. Allele origin: germline. Observed: 187 variant alleles.

Genome-Nilou Lab
Classification: Benign for Werner syndrome. Last evaluated: 2021-12-05. Review status: criteria provided, single submitter. Criteria: ACMG Guidelines, 2015. Collection method: clinical testing. Allele origin: germline. Affected: no.

GeneDx
Classification: Benign. Last evaluated: 2018-03-24. Review status: criteria provided, single submitter. Criteria: GeneDx Variant Classification (06012015). Collection method: clinical testing. Allele origin: germline. Affected: yes.
Comment: This variant is considered likely benign or benign based on one or more of the following criteria: it is a conservative change, it occurs at a poorly conserved position in the protein, it is predicted to be benign by multiple in silico algorithms, and/or has population frequency not consistent with disease.

Illumina Laboratory Services, Illumina
Classification: Benign for Werner syndrome. Last evaluated: 2018-01-13. Review status: criteria provided, single submitter. Criteria: ICSL Variant Classification Criteria 13 December 2019. Collection method: clinical testing. Allele origin: germline.
Comment: This variant was observed in the ICSL laboratory as part of a predisposition screen in an ostensibly healthy population. It had not been previously curated by ICSL or reported in the Human Gene Mutation Database (HGMD: prior to June 1st, 2018), and was therefore a candidate for classification through an automated scoring system. Utilizing variant allele frequency, disease prevalence and penetrance estimates, and inheritance mode, an automated score was calculated to assess if this variant is too frequent to cause the disease. Based on the score and internal cut-off values, a variant classified as benign is not then subjected to further curation. The score for this variant resulted in a classification of benign for this disease.

Breakthrough Genomics
Classification: Benign. Review status: criteria provided, single submitter. Criteria: ACMG Guidelines, 2015. Collection method: not provided. Allele origin: germline. Inheritance: Autosomal recessive inheritance. Affected: yes.

PreventionGenetics, part of Exact Sciences
Classification: Benign. Review status: criteria provided, single submitter. Criteria: ACMG Guidelines, 2015. Collection method: clinical testing. Allele origin: germline.

Genetic Services Laboratory, University of Chicago
Classification: Likely benign for AllHighlyPenetrant. Review status: no assertion criteria provided. Collection method: clinical testing. Allele origin: germline. Inheritance: Autosomal recessive inheritance. Not counted in ClinVar's aggregate classification.
Comment: Likely benign based on allele frequency in 1000 Genomes Project or ESP global frequency and its presence in a patient with a rare or unrelated disease phenotype. NOT Sanger confirmed.